The following is an entry in ClinVar:

ClinVar aggregate classification (germline): Uncertain significance (1 of 4 stars; one submission).

Submission:

Labcorp Genetics (formerly Invitae), Labcorp
Classification: Uncertain significance. Last evaluated: 2022-04-07. Review status: criteria provided, single submitter. Criteria: Invitae Variant Classification Sherloc (09022015). Collection method: clinical testing. Allele origin: germline.
Comment: This variant, c.3158_3163del, results in the deletion of 2 amino acid(s) of the LAMA1 protein (p.His1053_His1054del), but otherwise preserves the integrity of the reading frame. This variant is present in population databases (rs761084211, gnomAD 0.02%). This variant has not been reported in the literature in individuals affected with LAMA1-related conditions. Experimental studies and prediction algorithms are not available or were not evaluated, and the functional significance of this variant is currently unknown. In summary, the available evidence is currently insufficient to determine the role of this variant in disease. Therefore, it has been classified as a Variant of Uncertain Significance.

NM_005559.4(LAMA1):c.3158_3163del (p.His1053_His1054del)

Gene: LAMA1 (laminin subunit alpha 1; minus strand). Cytogenetic location: 18p11.31.
Variant type: Deletion.
Coding change: c.3158_3163del on transcript NM_005559.4 (MANE Select); coding-DNA positions 3158 to 3163, 6 bases deleted (ATCATC; older notation c.3158_3163delATCATC).
Protein change: p.His1053_His1054del.
Molecular consequence: inframe deletion.
Genome position (GRCh38, 1-based): chr18:7,014,015-7,014,020, GATGAT deleted on the plus strand (ATCATC on the coding strand, the reverse complement: LAMA1 is on the minus strand); deleting any 6 consecutive bases within chr18:7,014,015-7,014,022 gives the same sequence; the c. name uses the placement nearest the transcript's 3' end. VCF-style (leftmost placement, unchanged base first): chr18-7014014-CGATGAT-C. GRCh37 (hg19) VCF-style: chr18-7014013-CGATGAT-C.
Identifiers: ClinVar variation 2171502 (VCV002171502.1), dbSNP rs761084211, ClinGen allele CA8882369.